The following is an entry in ClinVar:

NM_032043.3(BRIP1):c.1667A>T (p.Tyr556Phe)

Gene: BRIP1 (BRCA1 interacting DNA helicase 1; minus strand). Cytogenetic location: 17q23.2.
Variant type: single nucleotide variant.
Coding change: c.1667A>T on transcript NM_032043.3 (MANE Select); coding-DNA position 1667, A replaced by T.
Protein change: p.Tyr556Phe; replaces tyrosine 556 with phenylalanine.
Molecular consequence: missense variant.
Genome position (GRCh38, 1-based): chr17:61,780,967, T>A on the plus strand (A>T on the coding strand, the complement: BRIP1 is on the minus strand). VCF-style: chr17-61780967-T-A. GRCh37 (hg19) VCF-style: chr17-59858328-T-A.
Other names: short protein forms Y556F.
Identifiers: ClinVar variation 3993170 (VCV003993170.1).

ClinVar aggregate classification (germline): Uncertain significance (1 of 4 stars; one submission).

Conditions:
Hereditary cancer-predisposing syndrome. Also called: Tumor predisposition; Hereditary neoplastic syndrome; Neoplastic Syndromes, Hereditary; Hereditary Cancer Syndrome. Identifiers: Orphanet 140162, MedGen C0027672, MeSH D009386, MONDO:0015356.

Submission:

Ambry Genetics
Classification: Uncertain significance for Hereditary cancer-predisposing syndrome. Last evaluated: 2025-06-08. Review status: criteria provided, single submitter. Criteria: Ambry Variant Classification Scheme 2023. Collection method: clinical testing. Allele origin: germline.
Comment: The p.Y556F variant (also known as c.1667A>T), located in coding exon 11 of the BRIP1 gene, results from an A to T substitution at nucleotide position 1667. The tyrosine at codon 556 is replaced by phenylalanine, an amino acid with highly similar properties. This amino acid position is conserved. In addition, this alteration is predicted to be tolerated by in silico analysis. Based on the available evidence, the clinical significance of this variant remains unclear.